The following is an entry in ClinVar:

ClinVar aggregate classification (germline): Pathogenic (1 of 4 stars; one submission).

Conditions:
EPILEPSY, CHILDHOOD ABSENCE, SUSCEPTIBILITY TO, 2 (ECA2). Identifiers: Orphanet 64280, MedGen C1843244, OMIM 607681.
Febrile seizures, familial, 8 (FEB8). Also called: CONVULSIONS, FAMILIAL FEBRILE, 8. Identifiers: Orphanet 36387, MedGen C1969810, MONDO:0011891, OMIM 607681.

Submission:

Labcorp Genetics (formerly Invitae), Labcorp
Classification: Pathogenic for Febrile seizures, familial, 8; EPILEPSY, CHILDHOOD ABSENCE, SUSCEPTIBILITY TO, 2. Last evaluated: 2022-02-10. Review status: criteria provided, single submitter. Criteria: Invitae Variant Classification Sherloc (09022015). Collection method: clinical testing. Allele origin: germline.
Comment: Advanced modeling of protein sequence and biophysical properties (such as structural, functional, and spatial information, amino acid conservation, physicochemical variation, residue mobility, and thermodynamic stability) performed at Invitae indicates that this missense variant is expected to disrupt GABRG2 protein function. For these reasons, this variant has been classified as Pathogenic. This missense change has been observed in individual(s) with clinical features of GABRG2-related conditions (PMID: 31004928). In at least one individual the variant was observed to be de novo. This sequence change replaces serine, which is neutral and polar, with phenylalanine, which is neutral and non-polar, at codon 306 of the GABRG2 protein (p.Ser306Phe). This variant is not present in population databases (gnomAD no frequency).

Literature cited by the submitters: PubMed 31004928.

NM_198904.4(GABRG2):c.917C>T (p.Ser306Phe)

Gene: GABRG2 (gamma-aminobutyric acid type A receptor subunit gamma2; plus strand). Cytogenetic location: 5q34.
Variant type: single nucleotide variant.
Coding change: c.917C>T on transcript NM_198904.4 (MANE Select); coding-DNA position 917, C replaced by T.
Protein change: p.Ser306Phe; replaces serine 306 with phenylalanine.
Molecular consequence: missense variant.
Genome position (GRCh38, 1-based): chr5:162,142,311, C>T. VCF-style: chr5-162142311-C-T. GRCh37 (hg19) VCF-style: chr5-161569317-C-T.
Other names: c.917C>T, p.Ser306Phe (NM_000816.3, NM_001375340.1); c.908C>T, p.Ser303Phe (NM_001375339.1); c.914C>T, p.Ser305Phe (NM_001375341.1, NM_001375342.1); c.1037C>T, p.Ser346Phe (NM_001375343.1, NM_198903.2); c.956C>T, p.Ser319Phe (NM_001375344.1); c.851C>T, p.Ser284Phe (NM_001375345.1, NM_001375346.1); c.830C>T, p.Ser277Phe (NM_001375347.1); c.497C>T, p.Ser166Phe (NM_001375348.1, NM_001375350.1); and 1 more; short protein forms S306F, S346F, S211F, S284F, S319F, S277F, S166F, S303F.
Identifiers: ClinVar variation 1352245 (VCV001352245.8), dbSNP rs2113599212, ClinGen allele CA362182271.